The following is an entry in ClinVar:

ClinVar aggregate classification (germline): Uncertain significance (1 of 4 stars; one submission).

Allele frequency attached by ClinVar (database versions not stated): gnomAD exomes below 0.00001.
gnomAD v4.1: 1 of 1,614,166 alleles (0.000062%); highest among the groups gnomAD compares: Non-Finnish European, 0.000085%; no homozygotes.

Submission:

Labcorp Genetics (formerly Invitae), Labcorp
Classification: Uncertain significance. Last evaluated: 2022-11-11. Review status: criteria provided, single submitter. Criteria: Invitae Variant Classification Sherloc (09022015). Collection method: clinical testing. Allele origin: germline.
Comment: This sequence change replaces cysteine, which is neutral and slightly polar, with arginine, which is basic and polar, at codon 88 of the TET2 protein (p.Cys88Arg). This variant is not present in population databases (gnomAD no frequency). This variant has not been reported in the literature in individuals affected with TET2-related conditions. Algorithms developed to predict the effect of missense changes on protein structure and function are either unavailable or do not agree on the potential impact of this missense change (SIFT: "Tolerated"; PolyPhen-2: "Possibly Damaging"; Align-GVGD: "Class C0"). In summary, the available evidence is currently insufficient to determine the role of this variant in disease. Therefore, it has been classified as a Variant of Uncertain Significance.

NM_001127208.3(TET2):c.262T>C (p.Cys88Arg)

Genes: TET2 (tet methylcytosine dioxygenase 2; plus strand), TET2-AS1 (TET2 antisense RNA 1; minus strand). Cytogenetic location: 4q24.
Variant type: single nucleotide variant.
Coding change: c.262T>C on transcript NM_001127208.3 (MANE Select); coding-DNA position 262, T replaced by C.
Protein change: p.Cys88Arg; replaces cysteine 88 with arginine.
Molecular consequence: missense variant.
Genome position (GRCh38, 1-based): chr4:105,234,204, T>C. VCF-style: chr4-105234204-T-C. GRCh37 (hg19) VCF-style: chr4-106155361-T-C.
Other names: c.262T>C, p.Cys88Arg (NM_017628.4); short protein forms C88R.
Identifiers: ClinVar variation 2813563 (VCV002813563.3), dbSNP rs1728687107, ClinGen allele CA357791068.